The following is an entry in ClinVar:

ClinVar aggregate classification (germline): Conflicting classifications of pathogenicity. Review status: criteria provided, conflicting classifications (1 of 4 stars). 2 submissions from 2 submitters: Likely pathogenic (1); Uncertain significance (1). Last evaluated 2026-02-17.

Conditions:
USH2A-related disorder. Also called: USH2A-related condition; USH2A-related disorders. Identifiers: MedGen CN239332.

Allele frequency attached by ClinVar (database versions not stated): gnomAD exomes below 0.00001.
gnomAD v4.1: 1 of 1,614,132 alleles (0.000062%); highest among the groups gnomAD compares: Non-Finnish European, 0.000085%; no homozygotes.

Submissions (2):

Myriad Genetics, Inc.
Classification: Uncertain significance for USH2A-related disorder. Last evaluated: 2026-02-17. Review status: criteria provided, single submitter. Criteria: Myriad Autosomal Dominant, Autosomal Recessive and X-Linked Classification Criteria (2023). Collection method: clinical testing. Allele origin: unknown.
Comment: NM_206933.2(USH2A):c.14569G>A(G4857S) is a missense variant classified as a variant of uncertain significance in the context of USH2A-related disorders. G4857S has not been observed in cases with relevant disease. Relevant functional assessments of this variant are not available in the literature. G4857S has been observed in referenced population frequency databases. In summary, there is insufficient evidence to classify NM_206933.2(USH2A):c.14569G>A(G4857S) as pathogenic or benign. Please note: this variant was assessed in the context of healthy population screening.

Labcorp Genetics (formerly Invitae), Labcorp
Classification: Likely pathogenic. Last evaluated: 2023-06-16. Review status: criteria provided, single submitter. Criteria: Invitae Variant Classification Sherloc (09022015). Collection method: clinical testing. Allele origin: germline.
Comment: This variant has not been reported in the literature in individuals affected with USH2A-related conditions. This variant is present in population databases (no rsID available, gnomAD 0.0009%). This sequence change replaces glycine, which is neutral and non-polar, with serine, which is neutral and polar, at codon 4857 of the USH2A protein (p.Gly4857Ser). In summary, the currently available evidence indicates that the variant is pathogenic, but additional data are needed to prove that conclusively. Therefore, this variant has been classified as Likely Pathogenic. This variant disrupts the p.Gly4857 amino acid residue in USH2A. Other variant(s) that disrupt this residue have been determined to be pathogenic (PMID: 27460420, 31456290, 32188678, 32675063). This suggests that this residue is clinically significant, and that variants that disrupt this residue are likely to be disease-causing. Advanced modeling of protein sequence and biophysical properties (such as structural, functional, and spatial information, amino acid conservation, physicochemical variation, residue mobility, and thermodynamic stability) performed at Invitae indicates that this missense variant is expected to disrupt USH2A protein function.

Literature cited by the submitters: PubMed 27460420 (cited by Labcorp Genetics (formerly Invitae), Labcorp); PubMed 31456290 (cited by Labcorp Genetics (formerly Invitae), Labcorp); PubMed 32188678 (cited by Labcorp Genetics (formerly Invitae), Labcorp); PubMed 32675063 (cited by Labcorp Genetics (formerly Invitae), Labcorp).

NM_206933.4(USH2A):c.14569G>A (p.Gly4857Ser)

Gene: USH2A (usherin; minus strand). Cytogenetic location: 1q41.
Variant type: single nucleotide variant.
Coding change: c.14569G>A on transcript NM_206933.4 (MANE Select); coding-DNA position 14569, G replaced by A.
Protein change: p.Gly4857Ser; replaces glycine 4857 with serine.
Molecular consequence: missense variant.
Genome position (GRCh38, 1-based): chr1:215,648,541, C>T on the plus strand (G>A on the coding strand, the complement: USH2A is on the minus strand). VCF-style: chr1-215648541-C-T. GRCh37 (hg19) VCF-style: chr1-215821883-C-T.
Other names: short protein forms G4857S.
Identifiers: ClinVar variation 2843772 (VCV002843772.4), dbSNP rs1328489156, ClinGen allele CA344833057.
Genomic context (GRCh38, chr1:215,648,541, plus strand): 5'-GTACACATGCCTTGTTAGTTTCTTCATCCTTCTGCCTGACCCATTACCTGTGAATGACAC[C>T]ATTGGGGAACATGGGGGGACTCCACCGGAAGGAGGCCGTCCTTGAGGCCAGCGTCCCGAT-3'
Protein context (NP_996816.3, residues 4847-4867): FRWSPPMFPN[Gly4857Ser]VIHSYELQFH